The following is an entry in ClinVar:

ClinVar aggregate classification (germline): Uncertain significance (1 of 4 stars; one submission).

Conditions:
Hereditary cancer-predisposing syndrome. Also called: Neoplastic Syndromes, Hereditary; Tumor predisposition; Hereditary neoplastic syndrome; Hereditary Cancer Syndrome. Identifiers: Orphanet 140162, MedGen C0027672, MeSH D009386, MONDO:0015356.

Submission:

Ambry Genetics
Classification: Uncertain significance for Hereditary cancer-predisposing syndrome. Last evaluated: 2023-11-18. Review status: criteria provided, single submitter. Criteria: Ambry Variant Classification Scheme 2023. Collection method: clinical testing. Allele origin: germline.
Comment: The p.E863Q variant (also known as c.2587G>C), located in coding exon 22 of the TSC2 gene, results from a G to C substitution at nucleotide position 2587. The glutamic acid at codon 863 is replaced by glutamine, an amino acid with highly similar properties. This amino acid position is conserved. In addition, this alteration is predicted to be deleterious by in silico analysis. Since supporting evidence is limited at this time, the clinical significance of this alteration remains unclear.

NM_000548.5(TSC2):c.2587G>C (p.Glu863Gln)

Gene: TSC2 (TSC complex subunit 2; plus strand). Cytogenetic location: 16p13.3.
Variant type: single nucleotide variant.
Coding change: c.2587G>C on transcript NM_000548.5 (MANE Select); coding-DNA position 2587, G replaced by C.
Protein change: p.Glu863Gln; replaces glutamic acid 863 with glutamine.
Molecular consequence: missense variant. On other transcripts: non-coding transcript variant (5).
Genome position (GRCh38, 1-based): chr16:2,075,840, G>C. VCF-style: chr16-2075840-G-C. GRCh37 (hg19) VCF-style: chr16-2125841-G-C.
Other names: c.2587G>C, p.Glu863Gln (NM_001370404.1, NM_001370405.1, NM_001406663.1 and 6 more transcripts); c.2677G>C, p.Glu893Gln (NM_001406667.1, NM_001406668.1); c.2476G>C, p.Glu826Gln (NM_001406670.1, NM_001406678.1, NM_001318827.2); c.2575G>C, p.Glu859Gln (NM_001406671.1, NM_001406673.1); c.2440G>C, p.Glu814Gln (NM_001406675.1, NM_001406676.1, NM_001406679.1 and 1 more transcripts); c.2530G>C, p.Glu844Gln (NM_001406677.1); c.1987G>C, p.Glu663Gln (NM_001406680.1, NM_001406682.1, NM_001406683.1 and 6 more transcripts); c.2125G>C, p.Glu709Gln (NM_001406681.1); and 3 more; short protein forms E329Q, E415Q, E663Q, E709Q, E814Q, E826Q, E844Q, E859Q.
Identifiers: ClinVar variation 3232119 (VCV003232119.1), dbSNP rs2151380836, ClinGen allele CA394278382.